The following is an entry in ClinVar:

ClinVar aggregate classification (germline): Pathogenic. Review status: reviewed by expert panel (3 of 4 stars). 6 submissions from 6 submitters: Pathogenic (1). 5 of the submissions do not count toward it. Last evaluated 2016-09-08.

Conditions:
Hereditary cancer-predisposing syndrome. Also called: Tumor predisposition; Neoplastic Syndromes, Hereditary; Hereditary Cancer Syndrome; Hereditary neoplastic syndrome. Identifiers: Orphanet 140162, MedGen C0027672, MeSH D009386, MONDO:0015356.
Breast-ovarian cancer, familial, susceptibility to, 1 (BROVCA1). Also called: OVARIAN CANCER, SUSCEPTIBILITY TO; BRCA1 Hereditary Breast and Ovarian Cancer. Identifiers: Orphanet 145, MedGen C2676676, MONDO:0011450, OMIM 604370. Disease mechanism: loss of function.
Pancreatic cancer, susceptibility to, 4. Identifiers: Orphanet 1333, MedGen C3280442, MONDO:0013685, OMIM 614320.
Fanconi anemia, complementation group S (FANCS). Identifiers: MedGen C4554406, MONDO:0054748, OMIM 617883.
Hereditary breast ovarian cancer syndrome. Also called: Hereditary breast and ovarian cancer syndrome (HBOC); Hereditary breast and ovarian cancer syndrome; Hereditary breast and ovarian cancer; Hereditary breast and/or ovarian cancer syndrome; Breast and ovarian cancer; BRCA1- and BRCA2-Associated Hereditary Breast and Ovarian Cancer. Identifiers: Orphanet 145, MedGen C0677776, MeSH D061325, MONDO:0003582. Disease mechanism: loss of function.

Submissions (6):

Evidence-based Network for the Interpretation of Germline Mutant Alleles (ENIGMA)
Classification: Pathogenic for Breast-ovarian cancer, familial, susceptibility to, 1. Last evaluated: 2016-09-08. Review status: reviewed by expert panel. Criteria: ENIGMA BRCA1/2 Classification Criteria (2015). Collection method: curation. Allele origin: germline.
Comment: Variant allele predicted to encode a truncated non-functional protein.

Labcorp Genetics (formerly Invitae), Labcorp
Classification: Pathogenic for Hereditary breast ovarian cancer syndrome. Last evaluated: 2025-05-27. Review status: criteria provided, single submitter. Criteria: Invitae Variant Classification Sherloc (09022015). Collection method: clinical testing. Allele origin: germline. Not counted in ClinVar's aggregate classification.
Comment: This sequence change creates a premature translational stop signal (p.Lys558Argfs*2) in the BRCA1 gene. It is expected to result in an absent or disrupted protein product. Loss-of-function variants in BRCA1 are known to be pathogenic (PMID: 20104584). This variant is not present in population databases (gnomAD no frequency). This premature translational stop signal has been observed in individual(s) with breast cancer (PMID: 17688236, 27616075). ClinVar contains an entry for this variant (Variation ID: 54322). For these reasons, this variant has been classified as Pathogenic.

Ambry Genetics
Classification: Pathogenic for Hereditary cancer-predisposing syndrome. Last evaluated: 2025-04-17. Review status: criteria provided, single submitter. Criteria: Ambry Variant Classification Scheme 2023. Collection method: clinical testing. Allele origin: germline. Not counted in ClinVar's aggregate classification.
Comment: The c.1673_1674delAA pathogenic mutation, located in coding exon 9 of the BRCA1 gene, results from a deletion of two nucleotides at nucleotide positions 1673 to 1674, causing a translational frameshift with a predicted alternate stop codon (p.K558Rfs*2). This variant is considered to be rare based on population cohorts in the Genome Aggregation Database (gnomAD). This alteration is expected to result in loss of function by premature protein truncation or nonsense-mediated mRNA decay. As such, this alteration is interpreted as a disease-causing mutation.

Fulgent Genetics
Classification: Pathogenic for Breast-ovarian cancer, familial, susceptibility to, 1; Pancreatic cancer, susceptibility to, 4; Fanconi anemia, complementation group S. Last evaluated: 2024-05-30. Review status: criteria provided, single submitter. Criteria: ACMG Guidelines, 2015. Collection method: clinical testing. Allele origin: germline. Not counted in ClinVar's aggregate classification.

Color Diagnostics, LLC DBA Color Health
Classification: Pathogenic for Hereditary cancer-predisposing syndrome. Last evaluated: 2020-01-15. Review status: criteria provided, single submitter. Criteria: ACMG Guidelines, 2015. Collection method: clinical testing. Allele origin: germline. Not counted in ClinVar's aggregate classification.
Comment: This variant deletes 2 nucleotides in exon 10 of the BRCA1 gene, creating a frameshift and premature translation stop signal. This variant is expected to result in an absent or non-functional protein product. This variant has not been identified in the general population by the Genome Aggregation Database (gnomAD). Loss of BRCA1 function is a known mechanism of disease. Based on the available evidence, this variant is classified as Pathogenic.

Consortium of Investigators of Modifiers of BRCA1/2 (CIMBA), c/o University of Cambridge
Classification: Pathogenic for Breast-ovarian cancer, familial, susceptibility to, 1. Last evaluated: 2015-10-02. Review status: criteria provided, single submitter. Criteria: CIMBA Mutation Classification guidelines May 2016. Collection method: clinical testing. Allele origin: germline. Not counted in ClinVar's aggregate classification.

Literature cited by the submitters: PubMed 20104584 (cited by Labcorp Genetics (formerly Invitae), Labcorp); PubMed 17688236 (cited by Labcorp Genetics (formerly Invitae), Labcorp); PubMed 27616075 (cited by Labcorp Genetics (formerly Invitae), Labcorp).

NM_007294.4(BRCA1):c.1673_1674del (p.Lys558fs)

Gene: BRCA1 (BRCA1 DNA repair associated; minus strand). Cytogenetic location: 17q21.31.
Variant type: Deletion.
Coding change: c.1673_1674del on transcript NM_007294.4 (MANE Select); coding-DNA positions 1673 to 1674, 2 bases deleted (AA; older notation c.1673_1674delAA).
Protein change: p.Lys558fs; shifts the reading frame from lysine 558.
Molecular consequence: frameshift variant. On other transcripts: intron variant (137).
Genome position (GRCh38, 1-based): chr17:43,093,857-43,093,858, TT deleted on the plus strand (AA on the coding strand, the reverse complement: BRCA1 is on the minus strand); deleting any 2 consecutive bases within chr17:43,093,857-43,093,860 gives the same sequence; the c. name uses the placement nearest the transcript's 3' end. VCF-style (leftmost placement, unchanged base first): chr17-43093856-CTT-C. GRCh37 (hg19) VCF-style: chr17-41245873-CTT-C.
Other names: c.1673_1674delAA (NM_007294.3); c.1670_1671del, p.Lys557fs (NM_001407633.1, NM_001407634.1, NM_001407635.1 and 22 more transcripts); c.1673_1674del, p.Lys558fs (NM_001407639.1, NM_001407640.1, NM_001407641.1 and 30 more transcripts); c.1664_1665del, p.Lys555fs (NM_001407646.1, NM_001407647.1); c.1550_1551del, p.Lys517fs (NM_001407648.1, NM_001407664.1, NM_001407665.1 and 19 more transcripts); c.1547_1548del, p.Lys516fs (NM_001407649.1, NM_001407670.1, NM_001407671.1 and 11 more transcripts); c.1595_1596del, p.Lys532fs (NM_001407653.1, NM_001407654.1, NM_001407655.1 and 4 more transcripts); c.1592_1593del, p.Lys531fs (NM_001407659.1, NM_001407660.1, NM_001407661.1 and 1 more transcripts); and 41 more; short protein forms K511fs, K558fs, K446fs, K447fs, K470fs, K488fs, K490fs, K516fs.
Identifiers: ClinVar variation 54322 (VCV000054322.20), dbSNP rs80357600, ClinGen allele CA001102.